The following is an entry in ClinVar:

NM_006231.4(POLE):c.3623G>A (p.Ser1208Asn)

Gene: POLE (DNA polymerase epsilon, catalytic subunit; minus strand). Cytogenetic location: 12q24.33.
Variant type: single nucleotide variant.
Coding change: c.3623G>A on transcript NM_006231.4 (MANE Select); coding-DNA position 3623, G replaced by A.
Protein change: p.Ser1208Asn; replaces serine 1208 with asparagine.
Molecular consequence: missense variant.
Genome position (GRCh38, 1-based): chr12:132,649,849, C>T on the plus strand (G>A on the coding strand, the complement: POLE is on the minus strand). VCF-style: chr12-132649849-C-T. GRCh37 (hg19) VCF-style: chr12-133226435-C-T.
Other names: short protein forms S1208N.
Identifiers: ClinVar variation 473610 (VCV000473610.15), dbSNP rs781094608, ClinGen allele CA6893154.

ClinVar aggregate classification (germline): Uncertain significance. Review status: criteria provided, multiple submitters, no conflicts (2 of 4 stars). 5 submissions from 5 submitters: Uncertain significance (4). 1 of the submissions does not count toward it. Last evaluated 2026-02-03.

Conditions:
Hereditary cancer-predisposing syndrome. Also called: Neoplastic Syndromes, Hereditary; Tumor predisposition; Hereditary Cancer Syndrome; Hereditary neoplastic syndrome. Identifiers: Orphanet 140162, MedGen C0027672, MeSH D009386, MONDO:0015356.
POLE-related disorder. Also called: POLE-related disorders; POLE-related condition.

Allele frequency attached by ClinVar (database versions not stated): gnomAD 0.00001; gnomAD exomes 0.00001 and 0.00002; ExAC 0.00001.
gnomAD v4.1: 28 of 1,614,044 alleles (0.0017%); highest among the groups gnomAD compares: Non-Finnish European, 0.0023%; no homozygotes.

Submissions (5):

Labcorp Genetics (formerly Invitae), Labcorp
Classification: Uncertain significance. Last evaluated: 2026-02-03. Review status: criteria provided, single submitter. Criteria: Invitae Variant Classification Sherloc (09022015). Collection method: clinical testing. Allele origin: germline.
Comment: This sequence change replaces serine, which is neutral and polar, with asparagine, which is neutral and polar, at codon 1208 of the POLE protein (p.Ser1208Asn). This variant is present in population databases (rs781094608, gnomAD 0.002%). This variant has not been reported in the literature in individuals affected with POLE-related conditions. ClinVar contains an entry for this variant (Variation ID: 473610). Invitae Evidence Modeling of protein sequence and biophysical properties (such as structural, functional, and spatial information, amino acid conservation, physicochemical variation, residue mobility, and thermodynamic stability) indicates that this missense variant is not expected to disrupt POLE protein function with a negative predictive value of 80%. In summary, the available evidence is currently insufficient to determine the role of this variant in disease. Therefore, it has been classified as a Variant of Uncertain Significance.

GeneDx
Classification: Uncertain significance. Last evaluated: 2024-08-13. Review status: criteria provided, single submitter. Criteria: GeneDx Variant Classification Process June 2021. Collection method: clinical testing. Allele origin: germline. Affected: yes.
Comment: Not observed at significant frequency in large population cohorts (gnomAD); In silico analysis indicates that this missense variant does not alter protein structure/function; Has not been previously published as pathogenic or benign to our knowledge

Ambry Genetics
Classification: Uncertain significance for Hereditary cancer-predisposing syndrome. Last evaluated: 2023-11-23. Review status: criteria provided, single submitter. Criteria: Ambry Variant Classification Scheme 2023. Collection method: clinical testing. Allele origin: germline.
Comment: The p.S1208N variant (also known as c.3623G>A), located in coding exon 30 of the POLE gene, results from a G to A substitution at nucleotide position 3623. The serine at codon 1208 is replaced by asparagine, an amino acid with highly similar properties. This amino acid position is conserved. In addition, this alteration is predicted to be tolerated by in silico analysis. Since supporting evidence is limited at this time, the clinical significance of this alteration remains unclear.

Quest Diagnostics Nichols Institute San Juan Capistrano
Classification: Uncertain significance. Last evaluated: 2019-03-12. Review status: criteria provided, single submitter. Criteria: Quest Diagnostics criteria. Collection method: clinical testing. Allele origin: germline.

PreventionGenetics, part of Exact Sciences
Classification: Uncertain significance for POLE-related condition. Last evaluated: 2023-12-04. Review status: no assertion criteria provided. Collection method: clinical testing. Allele origin: germline. Not counted in ClinVar's aggregate classification.
Comment: The POLE c.3623G>A variant is predicted to result in the amino acid substitution p.Ser1208Asn. To our knowledge, this variant has not been reported in the literature. This variant is reported in 0.0023% of alleles in individuals of European (Non-Finnish) descent in gnomAD. It is interpreted as uncertain significance in ClinVar. At this time, the clinical significance of this variant is uncertain due to the absence of conclusive functional and genetic evidence.